The following is an entry in ClinVar:

NM_001353214.3(DYM):c.5G>A (p.Gly2Glu)

Gene: DYM (dymeclin; minus strand). Cytogenetic location: 18q21.1.
Variant type: single nucleotide variant.
Coding change: c.5G>A on transcript NM_001353214.3 (MANE Select); coding-DNA position 5, G replaced by A.
Protein change: p.Gly2Glu; replaces glycine 2 with glutamic acid.
Molecular consequence: missense variant.
Genome position (GRCh38, 1-based): chr18:49,430,390, C>T on the plus strand (G>A on the coding strand, the complement: DYM is on the minus strand). VCF-style: chr18-49430390-C-T. GRCh37 (hg19) VCF-style: chr18-46956760-C-T.
Other names: c.5G>A, p.Gly2Glu (NM_001353210.3, NM_001353211.3, NM_001353212.3 and 21 more transcripts); short protein forms G2E.
Identifiers: ClinVar variation 1414095 (VCV001414095.6), dbSNP rs751943522, ClinGen allele CA8958533.

ClinVar aggregate classification (germline): Uncertain significance (1 of 4 stars; one submission).

Allele frequency attached by ClinVar (database versions not stated): gnomAD exomes 0.00001 and 0.00002; ExAC 0.00002; gnomAD 0.00006; TOPMed 0.00006.
gnomAD v4.1: 21 of 1,613,420 alleles (0.0013%); highest among the groups gnomAD compares: African/African-American, 0.02%; no homozygotes.

Submission:

Labcorp Genetics (formerly Invitae), Labcorp
Classification: Uncertain significance. Last evaluated: 2022-05-16. Review status: criteria provided, single submitter. Criteria: Invitae Variant Classification Sherloc (09022015). Collection method: clinical testing. Allele origin: germline.
Comment: In summary, the available evidence is currently insufficient to determine the role of this variant in disease. Therefore, it has been classified as a Variant of Uncertain Significance. Algorithms developed to predict the effect of missense changes on protein structure and function (SIFT, PolyPhen-2, Align-GVGD) all suggest that this variant is likely to be disruptive. This variant has not been reported in the literature in individuals affected with DYM-related conditions. This variant is present in population databases (rs751943522, gnomAD 0.02%). This sequence change replaces glycine, which is neutral and non-polar, with glutamic acid, which is acidic and polar, at codon 2 of the DYM protein (p.Gly2Glu).